The following is an entry in ClinVar:

ClinVar aggregate classification (germline): Pathogenic. Review status: reviewed by expert panel (3 of 4 stars). 12 submissions from 12 submitters: Pathogenic (1). 11 of the submissions do not count toward it. Last evaluated 2013-09-05.

Conditions:
Hereditary nonpolyposis colorectal neoplasms. Identifiers: MedGen C0009405, MeSH D003123.
Inherited MMR deficiency (Lynch syndrome).
Hereditary nonpolyposis colon cancer (HNPCC). Also called: Hereditary Nonpolyposis Colorectal Cancer Syndrome; Hereditary nonpolyposis colorectal cancer; Familial nonpolyposis colon cancer. Identifiers: Orphanet 443909, MedGen C1333990, MONDO:0018630. Disease mechanism: loss of function.
Hereditary cancer-predisposing syndrome. Also called: Hereditary neoplastic syndrome; Tumor predisposition; Hereditary Cancer Syndrome; Neoplastic Syndromes, Hereditary. Identifiers: Orphanet 140162, MedGen C0027672, MeSH D009386, MONDO:0015356.
Lynch syndrome. Identifiers: Orphanet 144, MedGen C4552100, MONDO:0005835. Disease mechanism: loss of function.
Lynch syndrome 5 (LYNCH5). Also called: Hereditary non-polyposis colorectal cancer, type 5; Colorectal cancer, hereditary nonpolyposis, type 5. Identifiers: Orphanet 144, MedGen C1833477, MONDO:0013710, OMIM 614350. Disease mechanism: loss of function.
Endometrial carcinoma. Also called: Endometrial carcinoma, somatic. Identifiers: MedGen C0476089, MONDO:0002447, OMIM 608089, HP:0012114.

Submissions (12):

International Society for Gastrointestinal Hereditary Tumours (InSiGHT)
Classification: Pathogenic for Lynch Syndrome. Last evaluated: 2013-09-05. Review status: reviewed by expert panel. Criteria: Guidelines v1.9. Collection method: research. Allele origin: germline.
Comment: Coding sequence variation resulting in a stop codon

Classified with v1.9 guidelines

Genetics Laboratory, Great Ormond Street Hospital NHS Foundation Trust, North Thames Genomic Laboratory Hub
Classification: Pathogenic for Inherited MMR deficiency (Lynch syndrome). Last evaluated: 2026-04-21. Review status: criteria provided, single submitter. Criteria: CanVIG MMR Gene Specific V1.7. Collection method: clinical testing. Allele origin: germline. Affected: yes. Not counted in ClinVar's aggregate classification.
Comment: PM2_supporting, PVS1_very-strong, PM5_supporting, PP4_supporting

Labcorp Genetics (formerly Invitae), Labcorp
Classification: Pathogenic for Hereditary nonpolyposis colorectal neoplasms. Last evaluated: 2025-07-31. Review status: criteria provided, single submitter. Criteria: Invitae Variant Classification Sherloc (09022015). Collection method: clinical testing. Allele origin: germline. Not counted in ClinVar's aggregate classification.
Comment: This sequence change creates a premature translational stop signal (p.Lys545Argfs*25) in the MSH6 gene. It is expected to result in an absent or disrupted protein product. Loss-of-function variants in MSH6 are known to be pathogenic (PMID: 18269114, 24362816). This variant is not present in population databases (gnomAD no frequency). This premature translational stop signal has been observed in individual(s) with Lynch syndrome (PMID: 17323113, 28283864, 28514183). Invitae Evidence Modeling of clinical and family history, age, sex, and reported ancestry of multiple individuals with this MSH6 variant has been performed. This variant is expected to be pathogenic with a positive predictive value of at least 99%. This is a validated machine learning model that incorporates the clinical features of 1,627,235 individuals referred to our laboratory for MSH6 testing. ClinVar contains an entry for this variant (Variation ID: 89211). For these reasons, this variant has been classified as Pathogenic.

Women's Health and Genetics/Laboratory Corporation of America, LabCorp
Classification: Pathogenic for Hereditary nonpolyposis colon cancer. Last evaluated: 2024-10-07. Review status: criteria provided, single submitter. Criteria: LabCorp Variant Classification Summary - May 2015. Collection method: clinical testing. Allele origin: germline. Not counted in ClinVar's aggregate classification.
Comment: Variant summary: MSH6 c.1634_1637delAAGA (p.Lys545ArgfsX25) results in a premature termination codon, predicted to cause a truncation of the encoded protein or absence of the protein due to nonsense mediated decay, which are commonly known mechanisms for disease. The variant was absent in 251220 control chromosomes. c.1634_1637delAAGA has been reported in the literature in at least one individual affected with Muir-Torre syndrome with family history of cancer (e.g. Arnold_2007). These data indicate that the variant may be associated with disease. To our knowledge, no experimental evidence demonstrating an impact on protein function has been reported. The following publications have been ascertained in the context of this evaluation (PMID: 20028993, 17323113). ClinVar contains an entry for this variant (Variation ID: 89211). Based on the evidence outlined above, the variant was classified as pathogenic.

Ambry Genetics
Classification: Pathogenic for Hereditary cancer-predisposing syndrome. Last evaluated: 2024-05-01. Review status: criteria provided, single submitter. Criteria: Ambry Variant Classification Scheme 2023. Collection method: clinical testing. Allele origin: germline. Not counted in ClinVar's aggregate classification.
Comment: The c.1634_1637delAAGA pathogenic mutation, located in coding exon 4 of the MSH6 gene, results from a deletion of 4 nucleotides at nucleotide positions 1634 to 1637, causing a translational frameshift with a predicted alternate stop codon (p.K545Rfs*25). This mutation has been detected in two unrelated families whose history is suggestive of Lynch syndrome. In both of these families, immunohistochemistry staining has demonstrated absence of the MSH6 protein in tumors of individuals with this mutation (Arnold A et al. Fam. Cancer. 2007 Feb;6:317-21; Kidambi TD et al. Fam. Cancer. 2017 Oct;16:537-543). This alteration was identified in a cohort of women undergoing multigene panel testing for hereditary cancer risk (Roberts ME et al. Genet Med. 2018 10;20:1167-1174). This variant was not reported in population-based cohorts in the Genome Aggregation Database (gnomAD). In addition to the clinical data presented in the literature, this alteration is expected to result in loss of function by premature protein truncation or nonsense-mediated mRNA decay. As such, this alteration is interpreted as a disease-causing mutation.

Color Diagnostics, LLC DBA Color Health
Classification: Pathogenic for Hereditary cancer-predisposing syndrome. Last evaluated: 2024-01-08. Review status: criteria provided, single submitter. Criteria: ACMG Guidelines, 2015. Collection method: clinical testing. Allele origin: germline. Not counted in ClinVar's aggregate classification.
Comment: This variant deletes 4 nucleotides in exon 4 of the MSH6 gene, creating a frameshift and premature translation stop signal. This variant is expected to result in an absent or non-functional protein product. This variant has been reported in individuals affected with colorectal cancer, endometrial cancer, as well as Muir-Torre syndrome (PMID: 28283864, 29345684). This variant has not been identified in the general population by the Genome Aggregation Database (gnomAD). Loss of MSH6 function is a known mechanism of disease. Based on the available evidence, this variant is classified as Pathogenic.

All of Us Research Program, National Institutes of Health
Classification: Pathogenic for Lynch syndrome. Last evaluated: 2023-10-09. Review status: criteria provided, single submitter. Criteria: ACMG Guidelines, 2015. Collection method: clinical testing. Allele origin: germline. Inheritance: Autosomal dominant inheritance. Observed: 1 variant allele, 1 heterozygote. Not counted in ClinVar's aggregate classification.
Comment: This variant is predicted to result in loss of protein function through nonsense-mediated decay or protein truncation. Loss of function is an established mechanism of disease. This variant has been reported in multiple individuals with Lynch syndrome (PMID: 14974087, 18301448, 17323113, 28283864, 28514183, 36403965). This variant is absent from large population databases, including the Genome Aggregation Database.

This study involves interpretation of variants in research participants for the purpose of population health screening. Participant phenotype was not available at the time of variant classification. Additional details can be found in publication PMID: 35346344, PMCID: PMC8962531

Myriad Genetics, Inc.
Classification: Pathogenic for Lynch syndrome 5. Last evaluated: 2023-08-15. Review status: criteria provided, single submitter. Criteria: Myriad Autosomal Dominant, Autosomal Recessive and X-Linked Classification Criteria (2023). Collection method: clinical testing. Allele origin: unknown. Not counted in ClinVar's aggregate classification.
Comment: This variant is considered pathogenic. This variant creates a frameshift predicted to result in premature protein truncation.

GeneDx
Classification: Pathogenic. Last evaluated: 2022-12-20. Review status: criteria provided, single submitter. Criteria: GeneDx Variant Classification Process June 2021. Collection method: clinical testing. Allele origin: germline. Affected: yes. Not counted in ClinVar's aggregate classification.
Comment: Frameshift variant predicted to result in protein truncation or nonsense mediated decay in a gene for which loss-of-function is a known mechanism of disease; Identified in patients with Lynch syndrome in published literature (Arnold et al., 2007; Kidambi et al., 2017); Not observed at significant frequency in large population cohorts (gnomAD); Truncating variants in this gene are considered pathogenic by a well-established clinical consortium and/or database; This variant is associated with the following publications: (PMID: 17323113, 28152038, 29345684, 30787465, 34930662, 28514183, 28283864)

Baylor Genetics
Classification: Pathogenic for Endometrial carcinoma. Last evaluated: 2022-12-13. Review status: criteria provided, single submitter. Criteria: ACMG Guidelines, 2015. Collection method: clinical testing. Allele origin: unknown. Not counted in ClinVar's aggregate classification.

Laboratory for Molecular Medicine, Mass General Brigham Personalized Medicine
Classification: Pathogenic for Lynch syndrome. Last evaluated: 2021-12-20. Review status: criteria provided, single submitter. Criteria: ACMG Guidelines, 2015. Collection method: clinical testing. Allele origin: germline. Inheritance: Autosomal dominant inheritance. Not counted in ClinVar's aggregate classification.
Comment: The p.Lys545ArgfsX25 variant in MSH6 has been reported in an individual with Muir-Torre syndrome and their brother with colorectal cancer and in at least 2 individuals with clinical features of Lynch syndrome (Arnold 2007 PMID: 17323113, Susswein 2016 PMID: 26681312; PMID: 26681312, Kidambi 2017 PMID: 28283864, Espenschied 2017 PMID: 28514183). This variant has also been reported by other clinical laboratories in ClinVar (Variation ID: 89211) and was absent from large population databases. This variant is predicted to cause a frameshift, which alters the protein’s amino acid sequence beginning at position 545 and leads to a premature termination codon 25 amino acids downstream. This alteration is then predicted to lead to a truncated or absent protein. Loss of function of the MSH6 gene is an established disease mechanism in autosomal dominant Lynch syndrome. In summary, this variant meets criteria to be classified as pathogenic for autosomal dominant Lynch syndrome. ACMG/AMP Criteria applied: PVS1, PM2_Supporting, PS4_Supporting.

HudsonAlpha Institute for Biotechnology
Classification: Pathogenic for Lynch syndrome 5. Last evaluated: 2018-08-24. Review status: criteria provided, single submitter. Criteria: ACMG Guidelines, 2015. Collection method: research. Allele origin: unknown. Observed: 1 variant allele. Study: CSER-SouthSeq. Not counted in ClinVar's aggregate classification.
Comment: ACMG codes: PVS1, PM2, PP5

Literature cited by the submitters: PubMed 18269114 (cited by Labcorp Genetics (formerly Invitae), Labcorp); PubMed 24362816 (cited by Labcorp Genetics (formerly Invitae), Labcorp); PubMed 17323113 (cited by 5 submitters); PubMed 28283864 (cited by 5 submitters); PubMed 28514183 (cited by 3 submitters); PubMed 20028993 (cited by Women's Health and Genetics/Laboratory Corporation of America, LabCorp); PubMed 29345684 (cited by Ambry Genetics and Color Diagnostics, LLC DBA Color Health); PubMed 14974087 (cited by All of Us Research Program, National Institutes of Health); PubMed 18301448 (cited by All of Us Research Program, National Institutes of Health); PubMed 36403965 (cited by All of Us Research Program, National Institutes of Health); PubMed 26681312 (cited by Laboratory for Molecular Medicine, Mass General Brigham Personalized Medicine).

NM_000179.3(MSH6):c.1634_1637del (p.Lys545fs)

Gene: MSH6 (mutS homolog 6; plus strand). Cytogenetic location: 2p16.3.
Variant type: Deletion.
Coding change: c.1634_1637del on transcript NM_000179.3 (MANE Select); coding-DNA positions 1634 to 1637, 4 bases deleted (AAGA; older notation c.1634_1637delAAGA).
Protein change: p.Lys545fs; shifts the reading frame from lysine 545.
Molecular consequence: frameshift variant.
Genome position (GRCh38, 1-based): chr2:47,799,617-47,799,620, AAGA deleted; deleting any 4 consecutive bases within chr2:47,799,616-47,799,620 gives the same sequence; the c. name uses the placement nearest the transcript's 3' end. VCF-style (leftmost placement, unchanged base first): chr2-47799615-AAAAG-A. GRCh37 (hg19) VCF-style: chr2-48026754-AAAAG-A.
Other names: c.1634_1637delAAGA (NM_000179.3, NM_000179.2); c.1244_1247del, p.Lys415fs (NM_001281492.2); c.728_731del, p.Lys243fs (NM_001281493.2, NM_001281494.2); short protein forms K415fs, K243fs.
Identifiers: ClinVar variation 89211 (VCV000089211.24), dbSNP rs63749874, ClinGen allele CA008965.
Genomic context (GRCh38, chr2:47,799,615, plus strand): 5'-CAGTGTGCTGGAAGGTGATCCCTCTGAGAACTACAGTAAGTATCTTCTTAGCCTCAAAGA[AAAAG>A]AGGAAGATTCTTCTGGCCATACTCGTGCATATGGTGTGTGCTTTGTTGATACTTCACTGG-3'